The following is an entry in ClinVar:

ClinVar aggregate classification (germline): Pathogenic/Likely pathogenic. Review status: criteria provided, multiple submitters, no conflicts (2 of 4 stars). 4 submissions from 4 submitters: Pathogenic (3); Likely pathogenic (1). Last evaluated 2024-02-20.

Conditions:
Polycystic kidney disease 4 (PKD4). Also called: POLYCYSTIC KIDNEY AND HEPATIC DISEASE 1; POLYCYSTIC KIDNEY DISEASE, INFANTILE, TYPE I; POLYCYSTIC KIDNEY DISEASE 4 WITH OR WITHOUT POLYCYSTIC LIVER DISEASE; PKD3; Autosomal Recessive Polycystic Kidney Disease – PKHD1. Identifiers: MedGen C4540575, MONDO:0033004, OMIM 263200.
PKHD1-related disorder. Also called: PKHD1-related condition.
Autosomal recessive polycystic kidney disease (ARPKD). Also called: AR polycystic kidney disease. Identifiers: Orphanet 731, Orphanet 8378, MedGen C0085548, MeSH D017044, MONDO:0009889.

Allele frequency attached by ClinVar (database versions not stated): ExAC 0.00008; gnomAD 0.00010 and 0.00011; gnomAD exomes 0.00016.
gnomAD v4.1: 78 of 1,611,238 alleles (0.0048%); highest among the groups gnomAD compares: Non-Finnish European, 0.000085%; no homozygotes.

Submissions (4):

Blueprint Genetics
Classification: Pathogenic for PKHD1-related disorders. Last evaluated: 2024-02-20. Review status: criteria provided, single submitter. Criteria: ACMG Guidelines, 2015. Collection method: clinical testing. Allele origin: germline. Affected: yes. Observed: 5 variant alleles.

Labcorp Genetics (formerly Invitae), Labcorp
Classification: Pathogenic for Autosomal recessive polycystic kidney disease. Last evaluated: 2023-08-22. Review status: criteria provided, single submitter. Criteria: Invitae Variant Classification Sherloc (09022015). Collection method: clinical testing. Allele origin: germline.
Comment: This sequence change replaces isoleucine, which is neutral and non-polar, with phenylalanine, which is neutral and non-polar, at codon 2303 of the PKHD1 protein (p.Ile2303Phe). For these reasons, this variant has been classified as Pathogenic. Algorithms developed to predict the effect of sequence changes on RNA splicing suggest that this variant may disrupt the consensus splice site. Advanced modeling of protein sequence and biophysical properties (such as structural, functional, and spatial information, amino acid conservation, physicochemical variation, residue mobility, and thermodynamic stability) has been performed at Invitae for this missense variant, however the output from this modeling did not meet the statistical confidence thresholds required to predict the impact of this variant on PKHD1 protein function. ClinVar contains an entry for this variant (Variation ID: 406889). This missense change has been observed in individual(s) with autosomal recessive polycystic kidney disease (PMID: 15108281, 15698423; Invitae). In at least one individual the data is consistent with being in trans (on the opposite chromosome) from a pathogenic variant. It has also been observed to segregate with disease in related individuals. This variant is present in population databases (rs751084512, gnomAD 0.2%).

Baylor Genetics
Classification: Pathogenic for Polycystic kidney disease 4. Last evaluated: 2023-02-09. Review status: criteria provided, single submitter. Criteria: ACMG Guidelines, 2015. Collection method: clinical testing. Allele origin: unknown.

Fulgent Genetics
Classification: Likely pathogenic for Polycystic kidney disease 4. Last evaluated: 2022-02-28. Review status: criteria provided, single submitter. Criteria: ACMG Guidelines, 2015. Collection method: clinical testing. Allele origin: unknown.

Literature cited by the submitters: PubMed 15108281 (cited by Labcorp Genetics (formerly Invitae), Labcorp); PubMed 15698423 (cited by Labcorp Genetics (formerly Invitae), Labcorp).

NM_138694.4(PKHD1):c.6907A>T (p.Ile2303Phe)

Gene: PKHD1 (PKHD1 ciliary IPT domain containing fibrocystin/polyductin; minus strand). Cytogenetic location: 6p12.2.
Variant type: single nucleotide variant.
Coding change: c.6907A>T on transcript NM_138694.4 (MANE Select); coding-DNA position 6907, A replaced by T.
Protein change: p.Ile2303Phe; replaces isoleucine 2303 with phenylalanine.
Molecular consequence: missense variant.
Genome position (GRCh38, 1-based): chr6:51,903,686, T>A on the plus strand (A>T on the coding strand, the complement: PKHD1 is on the minus strand). VCF-style: chr6-51903686-T-A. GRCh37 (hg19) VCF-style: chr6-51768484-T-A.
Other names: c.6907A>T, p.Ile2303Phe (NM_170724.3); short protein forms I2303F.
Identifiers: ClinVar variation 406889 (VCV000406889.15), dbSNP rs751084512, ClinGen allele CA3852124.
Genomic context (GRCh38, chr6:51,903,686, plus strand): 5'-AGATGCCAGATGGTGTCAACATTTCAGGATTGGAGAGTCCCTCGGCACCAGAAACCTGGA[T>A]GATCACGTTGTTTCTTATTATATTTCCATGTCCTGACCAGTCTAATGTTTCAACAAATCC-3'
Protein context (NP_619639.3, residues 2293-2313): HGNIIRNNVI[Ile2303Phe]QVSGAEGLSN